The following is an entry in ClinVar:

NM_001379286.1(ZNF423):c.3619G>A (p.Glu1207Lys)

Gene: ZNF423 (zinc finger protein 423; minus strand). Cytogenetic location: 16q12.1.
Variant type: single nucleotide variant.
Coding change: c.3619G>A on transcript NM_001379286.1 (MANE Select); coding-DNA position 3619, G replaced by A.
Protein change: p.Glu1207Lys; replaces glutamic acid 1207 with lysine.
Molecular consequence: missense variant.
Genome position (GRCh38, 1-based): chr16:49,525,477, C>T on the plus strand (G>A on the coding strand, the complement: ZNF423 is on the minus strand). VCF-style: chr16-49525477-C-T. GRCh37 (hg19) VCF-style: chr16-49559388-C-T.
Other names: c.3415G>A, p.Glu1139Lys (NM_001271620.2); c.3244G>A, p.Glu1082Lys (NM_001330533.2); c.3595G>A, p.Glu1199Lys (NM_015069.5); short protein forms E1139K, E1207K, E1082K, E1199K.
Identifiers: ClinVar variation 1363695 (VCV001363695.8), dbSNP rs746296704, ClinGen allele CA8046235.

ClinVar aggregate classification (germline): Uncertain significance (1 of 4 stars; one submission).

Conditions:
Nephronophthisis 14 (NPHP14). Identifiers: Orphanet 2318, MedGen C3539071, MONDO:0013916, OMIM 614844.

Allele frequency attached by ClinVar (database versions not stated): gnomAD exomes below 0.00001; ExAC 0.00001.
gnomAD v4.1: 1 of 1,614,044 alleles (0.000062%); highest among the groups gnomAD compares: Non-Finnish European, 0.000085%; no homozygotes.

Submission:

Labcorp Genetics (formerly Invitae), Labcorp
Classification: Uncertain significance for Nephronophthisis 14. Last evaluated: 2022-06-13. Review status: criteria provided, single submitter. Criteria: Invitae Variant Classification Sherloc (09022015). Collection method: clinical testing. Allele origin: germline.
Comment: This variant has not been reported in the literature in individuals affected with ZNF423-related conditions. Algorithms developed to predict the effect of missense changes on protein structure and function are either unavailable or do not agree on the potential impact of this missense change (SIFT: "Tolerated"; PolyPhen-2: "Possibly Damaging"; Align-GVGD: "Class C0"). In summary, the available evidence is currently insufficient to determine the role of this variant in disease. Therefore, it has been classified as a Variant of Uncertain Significance. This variant is present in population databases (rs746296704, gnomAD 0.0009%). This sequence change replaces glutamic acid, which is acidic and polar, with lysine, which is basic and polar, at codon 1199 of the ZNF423 protein (p.Glu1199Lys).